The following is an entry in ClinVar:

NM_030973.4(MED25):c.633A>G (p.Thr211=)

Gene: MED25 (mediator complex subunit 25; plus strand). Cytogenetic location: 19q13.33.
Variant type: single nucleotide variant.
Coding change: c.633A>G on transcript NM_030973.4 (MANE Select); coding-DNA position 633, A replaced by G.
Protein change: p.Thr211=; no amino-acid change (threonine 211 retained).
Molecular consequence: synonymous variant.
Genome position (GRCh38, 1-based): chr19:49,829,893, A>G. VCF-style: chr19-49829893-A-G. GRCh37 (hg19) VCF-style: chr19-50333150-A-G.
Other names: c.633A>G, p.Thr211= (NM_001378355.1).
Identifiers: ClinVar variation 706880 (VCV000706880.32), dbSNP rs369117035, ClinGen allele CA9584942.

ClinVar aggregate classification (germline): Likely benign. Review status: criteria provided, multiple submitters, no conflicts (2 of 4 stars). 3 submissions from 3 submitters: Likely benign (3). Last evaluated 2026-03-23.

Conditions:
Charcot-Marie-Tooth disease type 2. Also called: Charcot-Marie-Tooth type 2. Identifiers: Orphanet 64746, MedGen C0270914, MONDO:0018993.

gnomAD v4.1: 19 of 1,613,242 alleles (0.0012%); highest among the groups gnomAD compares: South Asian, 0.021%; no homozygotes.

Submissions (3):

Women's Health and Genetics/Laboratory Corporation of America, LabCorp
Classification: Likely benign. Last evaluated: 2026-03-23. Review status: criteria provided, single submitter. Criteria: LabCorp Variant Classification Summary - May 2015. Collection method: clinical testing. Allele origin: germline.

Labcorp Genetics (formerly Invitae), Labcorp
Classification: Likely benign for Charcot-Marie-Tooth disease type 2. Last evaluated: 2023-04-17. Review status: criteria provided, single submitter. Criteria: Invitae Variant Classification Sherloc (09022015). Collection method: clinical testing. Allele origin: germline.

CeGaT Center for Human Genetics Tuebingen
Classification: Likely benign. Last evaluated: 2022-12-01. Review status: criteria provided, single submitter. Criteria: CeGaT Center For Human Genetics Tuebingen Variant Classification Criteria Version 2. Collection method: clinical testing. Allele origin: germline. Affected: yes. Observed: 1 variant allele.
Comment: MED25: BP4, BP7